The following is an entry in ClinVar:

ClinVar aggregate classification (germline): Uncertain significance (1 of 4 stars; one submission).

gnomAD v4.1: 14 of 1,613,954 alleles (0.00087%); highest among the groups gnomAD compares: Middle Eastern, 0.017%; no homozygotes.

Submission:

Labcorp Genetics (formerly Invitae), Labcorp
Classification: Uncertain significance. Last evaluated: 2025-04-11. Review status: criteria provided, single submitter. Criteria: Invitae Variant Classification Sherloc (09022015). Collection method: clinical testing. Allele origin: germline.
Comment: This sequence change replaces arginine, which is basic and polar, with glutamine, which is neutral and polar, at codon 515 of the LZTS1 protein (p.Arg515Gln). This variant is present in population databases (rs527510848, gnomAD 0.006%). This variant has not been reported in the literature in individuals affected with LZTS1-related conditions. Invitae Evidence Modeling of protein sequence and biophysical properties (such as structural, functional, and spatial information, amino acid conservation, physicochemical variation, residue mobility, and thermodynamic stability) indicates that this missense variant is not expected to disrupt LZTS1 protein function with a negative predictive value of 80%. In summary, the available evidence is currently insufficient to determine the role of this variant in disease. Therefore, it has been classified as a Variant of Uncertain Significance.

NM_021020.5(LZTS1):c.1544G>A (p.Arg515Gln)

Gene: LZTS1 (leucine zipper tumor suppressor 1; minus strand). Cytogenetic location: 8p21.3.
Variant type: single nucleotide variant.
Coding change: c.1544G>A on transcript NM_021020.5 (MANE Select); coding-DNA position 1544, G replaced by A.
Protein change: p.Arg515Gln; replaces arginine 515 with glutamine.
Molecular consequence: missense variant.
Genome position (GRCh38, 1-based): chr8:20,249,969, C>T on the plus strand (G>A on the coding strand, the complement: LZTS1 is on the minus strand). VCF-style: chr8-20249969-C-T. GRCh37 (hg19) VCF-style: chr8-20107480-C-T.
Other names: c.1544G>A, p.Arg515Gln (NM_001362884.2); short protein forms R515Q.
Identifiers: ClinVar variation 4699450 (VCV004699450.1).